The following is an entry in ClinVar:

ClinVar aggregate classification (germline): Uncertain significance. Review status: criteria provided, multiple submitters, no conflicts (2 of 4 stars). 3 submissions from 3 submitters: Uncertain significance (3). Last evaluated 2026-06-02.

Conditions:
Cardiovascular phenotype. Identifiers: MedGen CN230736.
Hereditary cancer-predisposing syndrome. Also called: Hereditary neoplastic syndrome; Neoplastic Syndromes, Hereditary; Tumor predisposition; Hereditary Cancer Syndrome. Identifiers: Orphanet 140162, MedGen C0027672, MeSH D009386, MONDO:0015356.
Neurofibromatosis, type 1 (NF1). Also called: Peripheral type neurofibromatosis; NEUROFIBROMATOSIS, TYPE I, SOMATIC; Neurofibromatosis, type I; VON RECKLINGHAUSEN DISEASE. Identifiers: Orphanet 636, MedGen C0027831, MONDO:0018975, OMIM 162200. Disease mechanism: loss of function.

Submissions (3):

Ambry Genetics
Classification: Uncertain significance for Cardiovascular phenotype; Hereditary cancer-predisposing syndrome. Last evaluated: 2026-06-02. Review status: criteria provided, single submitter. Criteria: Ambry Variant Classification Scheme 2023. Collection method: clinical testing. Allele origin: germline.
Comment: The p.V14D variant (also known as c.41T>A), located in coding exon 1 of the NF1 gene, results from a T to A substitution at nucleotide position 41. The valine at codon 14 is replaced by aspartic acid, an amino acid with highly dissimilar properties. This amino acid position is highly conserved in available vertebrate species. In addition, the in silico prediction for this alteration is inconclusive. Based on the available evidence, the clinical significance of this variant remains unclear.

GeneDx
Classification: Uncertain significance. Last evaluated: 2024-05-14. Review status: criteria provided, single submitter. Criteria: GeneDx Variant Classification Process June 2021. Collection method: clinical testing. Allele origin: germline. Affected: yes.
Comment: Not observed at significant frequency in large population cohorts (gnomAD); In silico analysis supports that this missense variant has a deleterious effect on protein structure/function; Has not been previously published as pathogenic or benign to our knowledge

Labcorp Genetics (formerly Invitae), Labcorp
Classification: Uncertain significance for Neurofibromatosis, type 1. Last evaluated: 2024-04-24. Review status: criteria provided, single submitter. Criteria: Invitae Variant Classification Sherloc (09022015). Collection method: clinical testing. Allele origin: germline.
Comment: This sequence change replaces valine, which is neutral and non-polar, with aspartic acid, which is acidic and polar, at codon 14 of the NF1 protein (p.Val14Asp). This variant is not present in population databases (gnomAD no frequency). This variant has not been reported in the literature in individuals affected with NF1-related conditions. Advanced modeling of protein sequence and biophysical properties (such as structural, functional, and spatial information, amino acid conservation, physicochemical variation, residue mobility, and thermodynamic stability) has been performed at Invitae for this missense variant, however the output from this modeling did not meet the statistical confidence thresholds required to predict the impact of this variant on NF1 protein function. In summary, the available evidence is currently insufficient to determine the role of this variant in disease. Therefore, it has been classified as a Variant of Uncertain Significance.

NM_001042492.3(NF1):c.41T>A (p.Val14Asp)

Genes: MIR4733HG (MIR4733 host gene; minus strand), NF1 (neurofibromin 1; plus strand), LOC111811965 (NF1 (neurofibromin 1) promoter region; plus strand). Cytogenetic location: 17q11.2.
Variant type: single nucleotide variant.
Coding change: c.41T>A on transcript NM_001042492.3 (MANE Select); coding-DNA position 41, T replaced by A.
Protein change: p.Val14Asp; replaces valine 14 with aspartic acid.
Molecular consequence: missense variant. On other transcripts: non-coding transcript variant (1).
Genome position (GRCh38, 1-based): chr17:31,095,350, T>A. VCF-style: chr17-31095350-T-A. GRCh37 (hg19) VCF-style: chr17-29422368-T-A.
Other names: c.41T>A, p.Val14Asp (NM_000267.4, NM_001128147.3); short protein forms V14D.
Identifiers: ClinVar variation 2855409 (VCV002855409.5), dbSNP rs2143145332, ClinGen allele CA398979334.